The following is an entry in ClinVar:

NM_000218.3(KCNQ1):c.1640A>G (p.Gln547Arg)

Gene: KCNQ1 (potassium voltage-gated channel subfamily Q member 1; plus strand). Cytogenetic location: 11p15.5.
Variant type: single nucleotide variant.
Coding change: c.1640A>G on transcript NM_000218.3 (MANE Select); coding-DNA position 1640, A replaced by G.
Protein change: p.Gln547Arg; replaces glutamine 547 with arginine.
Molecular consequence: missense variant.
Genome position (GRCh38, 1-based): chr11:2,776,009, A>G. VCF-style: chr11-2776009-A-G. GRCh37 (hg19) VCF-style: chr11-2797239-A-G.
Other names: c.1640A>G (LRG_287t1); c.1544A>G, p.Gln515Arg (NM_001406836.1); c.1370A>G, p.Gln457Arg (NM_001406837.1); c.1100A>G, p.Gln367Arg (NM_001406838.1); c.1259A>G, p.Gln420Arg (NM_181798.2); short protein forms Q547R, Q420R, Q367R, Q457R, Q515R.
Identifiers: ClinVar variation 67045 (VCV000067045.12), dbSNP rs199472798, ClinGen allele CA006094.

ClinVar aggregate classification (germline): Uncertain significance. Review status: criteria provided, multiple submitters, no conflicts (2 of 4 stars). 3 submissions from 3 submitters: Uncertain significance (2). 1 of the submissions does not count toward it. Last evaluated 2026-01-14.

Conditions:
Cardiac arrhythmia. Also called: Arrhythmia; Cardiac rhythm disease. Identifiers: MedGen C0003811, MONDO:0007263, HP:0011675.
Familial long QT syndrome (RWS). Also called: Congenital long QT syndrome; Romano-Ward syndrome; VENTRICULAR FIBRILLATION WITH PROLONGED QT INTERVAL. Identifiers: Orphanet 768, MedGen C1141890, MONDO:0019171.
Long QT syndrome (LQTS). Identifiers: MedGen C0023976, MeSH D008133, MONDO:0002442. Disease mechanism: loss of function. Inheritance: Various modes of inheritance.

Submissions (3):

Labcorp Genetics (formerly Invitae), Labcorp
Classification: Uncertain significance for Long QT syndrome. Last evaluated: 2026-01-14. Review status: criteria provided, single submitter. Criteria: Invitae Variant Classification Sherloc (09022015). Collection method: clinical testing. Allele origin: germline.
Comment: This sequence change replaces glutamine, which is neutral and polar, with arginine, which is basic and polar, at codon 547 of the KCNQ1 protein (p.Gln547Arg). This variant is not present in population databases (gnomAD no frequency). This missense change has been observed in individual(s) with clinical features of KCNQ1-related conditions (PMID: 19716085). ClinVar contains an entry for this variant (Variation ID: 67045). Invitae Evidence Modeling of protein sequence and biophysical properties (such as structural, functional, and spatial information, amino acid conservation, physicochemical variation, residue mobility, and thermodynamic stability) has been performed for this missense variant. However, the output from this modeling did not meet the statistical confidence thresholds required to predict the impact of this variant on KCNQ1 protein function. In summary, the available evidence is currently insufficient to determine the role of this variant in disease. Therefore, it has been classified as a Variant of Uncertain Significance.

Color Diagnostics, LLC DBA Color Health
Classification: Uncertain significance for Cardiac arrhythmia. Last evaluated: 2020-04-13. Review status: criteria provided, single submitter. Criteria: ACMG Guidelines, 2015. Collection method: clinical testing. Allele origin: germline.
Comment: This missense variant replaces glutamine with arginine at codon 547 of the KCNQ1 protein. Computational prediction suggests that this variant may have deleterious impact on protein structure and function (internally defined REVEL score threshold >= 0.7, PMID: 27666373). To our knowledge, functional studies have not been reported for this variant. This variant has been reported in one individual referred for the long QT syndrome genetic test (PMID: 19716085). This variant has not been identified in the general population by the Genome Aggregation Database (gnomAD). The available evidence is insufficient to determine the role of this variant in disease conclusively. Therefore, this variant is classified as a Variant of Uncertain Significance.

Cardiovascular Biomedical Research Unit, Royal Brompton & Harefield NHS Foundation Trust
No classification provided. Condition: Familial long QT syndrome. Review status: no classification provided. Collection method: literature only. Allele origin: germline. Not counted in ClinVar's aggregate classification.
Comment: This variant has been reported as associated with Long QT syndrome in the following publications (PMID:19716085). This is a literature report, and does not necessarily reflect the clinical interpretation of the Imperial College / Royal Brompton Cardiovascular Genetics laboratory.

Literature cited by the submitters: PubMed 19716085 (cited by Labcorp Genetics (formerly Invitae), Labcorp and Cardiovascular Biomedical Research Unit, Royal Brompton & Harefield NHS Foundation Trust); PubMed 22581653 (cited by Cardiovascular Biomedical Research Unit, Royal Brompton & Harefield NHS Foundation Trust).